The following is an entry in ClinVar:

ClinVar aggregate classification (germline): Uncertain significance (1 of 4 stars; one submission).

Allele frequency attached by ClinVar (database versions not stated): gnomAD exomes below 0.00001; ExAC 0.00003; ESP Exome Variant Server 0.00008; 1000 Genomes Project 30x 0.00047; 1000 Genomes Project 0.00060.
gnomAD v4.1: 10 of 1,610,916 alleles (0.00062%); highest among the groups gnomAD compares: South Asian, 0.0088%; no homozygotes.

Submission:

Labcorp Genetics (formerly Invitae), Labcorp
Classification: Uncertain significance. Last evaluated: 2024-10-16. Review status: criteria provided, single submitter. Criteria: Invitae Variant Classification Sherloc (09022015). Collection method: clinical testing. Allele origin: germline.
Comment: This sequence change replaces arginine, which is basic and polar, with cysteine, which is neutral and slightly polar, at codon 490 of the ATP8A2 protein (p.Arg490Cys). This variant is present in population databases (rs367557553, gnomAD 0.01%). This variant has not been reported in the literature in individuals affected with ATP8A2-related conditions. ClinVar contains an entry for this variant (Variation ID: 1963594). Invitae Evidence Modeling of protein sequence and biophysical properties (such as structural, functional, and spatial information, amino acid conservation, physicochemical variation, residue mobility, and thermodynamic stability) indicates that this missense variant is not expected to disrupt ATP8A2 protein function with a negative predictive value of 80%. In summary, the available evidence is currently insufficient to determine the role of this variant in disease. Therefore, it has been classified as a Variant of Uncertain Significance.

NM_016529.6(ATP8A2):c.1468C>T (p.Arg490Cys)

Gene: ATP8A2 (ATPase phospholipid transporting 8A2). Cytogenetic location: 13q12.13.
Variant type: single nucleotide variant.
Coding change: c.1468C>T on transcript NM_016529.6 (MANE Select); coding-DNA position 1468, C replaced by T.
Protein change: p.Arg490Cys; replaces arginine 490 with cysteine.
Molecular consequence: missense variant.
Genome position (GRCh38, 1-based): chr13:25,564,026, C>T. VCF-style: chr13-25564026-C-T. GRCh37 (hg19) VCF-style: chr13-26138164-C-T.
Other names: c.1348C>T, p.Arg450Cys (NM_001313741.1); c.1468C>T, p.Arg490Cys (NM_001411005.1, NM_001411006.1); short protein forms R490C, R450C.
Identifiers: ClinVar variation 1963594 (VCV001963594.5), dbSNP rs367557553, ClinGen allele CA6922927.